The following is an entry in ClinVar:

ClinVar aggregate classification (germline): Uncertain significance (1 of 4 stars; one submission).

Conditions:
Inborn genetic diseases. Identifiers: MedGen C0950123, MeSH D030342.

Allele frequency attached by ClinVar (database versions not stated): gnomAD exomes below 0.00001; ExAC 0.00001.
gnomAD v4.1: 4 of 1,612,938 alleles (0.00025%); highest among the groups gnomAD compares: Non-Finnish European, 0.00034%; no homozygotes.

Submission:

Ambry Genetics
Classification: Uncertain significance for Inborn genetic diseases. Last evaluated: 2020-01-08. Review status: criteria provided, single submitter. Criteria: Ambry Variant Classification Scheme 2023. Collection method: clinical testing. Allele origin: germline.
Comment: The p.R30K variant (also known as c.89G>A), located in coding exon 2 of the SBF2 gene, results from a G to A substitution at nucleotide position 89. The arginine at codon 30 is replaced by lysine, an amino acid with highly similar properties. This amino acid position is highly conserved in available vertebrate species. In addition, the in silico prediction for this alteration is inconclusive. Since supporting evidence is limited at this time, the clinical significance of this alteration remains unclear.

NM_030962.4(SBF2):c.89G>A (p.Arg30Lys)

Gene: SBF2 (SET binding factor 2; minus strand). Cytogenetic location: 11p15.4.
Variant type: single nucleotide variant.
Coding change: c.89G>A on transcript NM_030962.4 (MANE Select); coding-DNA position 89, G replaced by A.
Protein change: p.Arg30Lys; replaces arginine 30 with lysine.
Molecular consequence: missense variant.
Genome position (GRCh38, 1-based): chr11:10,193,954, C>T on the plus strand (G>A on the coding strand, the complement: SBF2 is on the minus strand). VCF-style: chr11-10193954-C-T. GRCh37 (hg19) VCF-style: chr11-10215501-C-T.
Other names: c.89G>A, p.Arg30Lys (NM_001386339.1, NM_001386342.1); short protein forms R30K.
Identifiers: ClinVar variation 1765409 (VCV001765409.2), dbSNP rs779915208, ClinGen allele CA5882221.